The following is an entry in ClinVar:

NM_001267550.2(TTN):c.67876A>T (p.Lys22626Ter)

Genes: TTN (titin; minus strand), TTN-AS1 (TTN antisense RNA 1; plus strand), LOC126806423 (CDK7 strongly-dependent group 2 enhancer GRCh37_chr2:179443309-179444508; plus strand). Cytogenetic location: 2q31.2.
Variant type: single nucleotide variant.
Coding change: c.67876A>T on transcript NM_001267550.2 (MANE Select); coding-DNA position 67876, A replaced by T.
Protein change: p.Lys22626Ter; replaces lysine 22626 with a stop codon.
Molecular consequence: nonsense.
Genome position (GRCh38, 1-based): chr2:178,579,154, T>A on the plus strand (A>T on the coding strand, the complement: TTN is on the minus strand). VCF-style: chr2-178579154-T-A. GRCh37 (hg19) VCF-style: chr2-179443881-T-A.
Other names: c.62953A>T, p.Lys20985Ter (NM_001256850.1); c.40681A>T, p.Lys13561Ter (NM_003319.4); c.60172A>T, p.Lys20058Ter (NM_133378.4); c.41056A>T, p.Lys13686Ter (NM_133432.3); c.41257A>T, p.Lys13753Ter (NM_133437.4); short protein forms K13561*, K13686*, K13753*, K20058*, K20985*, K22626*.
Identifiers: ClinVar variation 4855144 (VCV004855144.1).
Genomic context (GRCh38, chr2:178,579,154, plus strand): 5'-TGCCAGGCTTGCCAACAACCTTTATGGAGATAGTTCCTTCCTTGGTGCCAGCAACATTCT[T>A]AAGTGTGATTGTGTATTTTCCAGCATCAGATTTTTGGCAATCGTACACTATAAGAGTTGT-3'

ClinVar aggregate classification (germline): Likely pathogenic (1 of 4 stars; one submission).

Conditions:
Dilated cardiomyopathy 1G (CMD1G). Identifiers: Orphanet 154, MedGen C1858763, MONDO:0011400, OMIM 604145.

Submission:

3billion
Classification: Likely pathogenic for Dilated cardiomyopathy 1G. Last evaluated: 2025-06-11. Review status: criteria provided, single submitter. Criteria: ACMG Guidelines, 2015. Collection method: clinical testing. Allele origin: germline. Affected: yes.
Comment: The variant is not observed in the gnomAD v4.1.0 dataset. Predicted Consequence/Location: Stop-gained (nonsense): predicted to result in a loss or disruption of normal protein function through nonsense-mediated decay (NMD) or protein truncation. Multiple pathogenic variants are reported downstream of the variant. Therefore, this variant is classified as Likely pathogenic according to the recommendation of ACMG/AMP guideline.